The following is an entry in ClinVar:

NM_018129.4(PNPO):c.59G>T (p.Gly20Val)

Gene: PNPO (pyridoxamine 5'-phosphate oxidase; plus strand). Cytogenetic location: 17q21.32.
Variant type: single nucleotide variant.
Coding change: c.59G>T on transcript NM_018129.4 (MANE Select); coding-DNA position 59, G replaced by T.
Protein change: p.Gly20Val; replaces glycine 20 with valine.
Molecular consequence: missense variant.
Genome position (GRCh38, 1-based): chr17:47,941,734, G>T. VCF-style: chr17-47941734-G-T. GRCh37 (hg19) VCF-style: chr17-46019100-G-T.
Other names: short protein forms G20V.
Identifiers: ClinVar variation 860000 (VCV000860000.9), dbSNP rs906198568, ClinGen allele CA400054845.

ClinVar aggregate classification (germline): Uncertain significance (1 of 4 stars; one submission).

Conditions:
Pyridoxal phosphate-responsive seizures (PNPOD). Also called: Pyridoxine-5'-phosphate oxidase deficiency; SEIZURES, PYRIDOXINE-RESISTANT, PLP-SENSITIVE; EPILEPTIC ENCEPHALOPATHY, NEONATAL, PNPO-RELATED; Pyridoxamine 5-Prime-Phosphate Oxidase Deficiency; Pyridoxal 5'-Phosphate (PLP)-Dependent Epilepsy. Identifiers: Orphanet 79096, MedGen C1864723, MONDO:0012407, OMIM 610090. Disease mechanism: loss of function.

Submission:

Labcorp Genetics (formerly Invitae), Labcorp
Classification: Uncertain significance for Pyridoxal phosphate-responsive seizures. Last evaluated: 2019-11-21. Review status: criteria provided, single submitter. Criteria: Invitae Variant Classification Sherloc (09022015). Collection method: clinical testing. Allele origin: germline.
Comment: In summary, the available evidence is currently insufficient to determine the role of this variant in disease. Therefore, it has been classified as a Variant of Uncertain Significance. Algorithms developed to predict the effect of missense changes on protein structure and function (SIFT, PolyPhen-2, Align-GVGD) all suggest that this variant is likely to be tolerated, but these predictions have not been confirmed by published functional studies and their clinical significance is uncertain. This variant has not been reported in the literature in individuals with PNPO-related conditions. This variant is not present in population databases (ExAC no frequency). This sequence change replaces glycine with valine at codon 20 of the PNPO protein (p.Gly20Val). The glycine residue is weakly conserved and there is a moderate physicochemical difference between glycine and valine.